The following is an entry in ClinVar:

ClinVar aggregate classification (germline): Uncertain significance (1 of 4 stars; one submission).

Allele frequency attached by ClinVar (database versions not stated): gnomAD 0.00003; TOPMed 0.00006; gnomAD exomes 0.00008; 1000 Genomes Project 30x 0.00016; ExAC 0.00018; ESP Exome Variant Server 0.00018; 1000 Genomes Project 0.00020.
gnomAD v4.1: 62 of 847,490 alleles (0.0073%); highest among the groups gnomAD compares: Non-Finnish European, 0.011%; no homozygotes.

Submission:

GeneDx
Classification: Uncertain significance. Last evaluated: 2023-03-28. Review status: criteria provided, single submitter. Criteria: GeneDx Variant Classification Process June 2021. Collection method: clinical testing. Allele origin: germline. Affected: yes.
Comment: In silico analysis supports that this missense variant does not alter protein structure/function; Has not been previously published as pathogenic or benign to our knowledge

NM_001270974.2(HYDIN):c.12811G>A (p.Ala4271Thr)

Gene: HYDIN (HYDIN axonemal central pair apparatus protein; minus strand). Cytogenetic location: 16q22.2.
Variant type: single nucleotide variant.
Coding change: c.12811G>A on transcript NM_001270974.2 (MANE Select); coding-DNA position 12811, G replaced by A.
Protein change: p.Ala4271Thr; replaces alanine 4271 with threonine.
Molecular consequence: missense variant.
Genome position (GRCh38, 1-based): chr16:70,849,788, C>T on the plus strand (G>A on the coding strand, the complement: HYDIN is on the minus strand). VCF-style: chr16-70849788-C-T. GRCh37 (hg19) VCF-style: chr16-70883691-C-T.
Other names: short protein forms A4271T.
Identifiers: ClinVar variation 2581928 (VCV002581928.1), dbSNP rs374822933, ClinGen allele CA8148723.